The following is an entry in ClinVar:

ClinVar aggregate classification (germline): Likely benign. Review status: criteria provided, single submitter (1 of 4 stars). 2 submissions from 2 submitters: Likely benign (1). 1 of the submissions does not count toward it. Last evaluated 2022-04-01.

Conditions:
MYO7B-related disorder. Also called: MYO7B-related condition.

Allele frequency attached by ClinVar (database versions not stated): gnomAD exomes 0.00026; ExAC 0.00087; ESP Exome Variant Server 0.00238; gnomAD 0.00247; TOPMed 0.00302; 1000 Genomes Project 30x 0.00359; 1000 Genomes Project 0.00399.
gnomAD v4.1: 803 of 1,612,502 alleles (0.05%); highest among the groups gnomAD compares: African/African-American, 0.87%; 5 homozygotes.

Submissions (2):

CeGaT Center for Human Genetics Tuebingen
Classification: Likely benign. Last evaluated: 2022-04-01. Review status: criteria provided, single submitter. Criteria: CeGaT Center For Human Genetics Tuebingen Variant Classification Criteria Version 2. Collection method: clinical testing. Allele origin: germline. Affected: yes. Observed: 1 variant allele.
Comment: MYO7B: BP4, BP7

PreventionGenetics, part of Exact Sciences
Classification: Benign for MYO7B-related condition. Last evaluated: 2019-05-01. Review status: no assertion criteria provided. Collection method: clinical testing. Allele origin: germline. Not counted in ClinVar's aggregate classification.
Comment: This variant is classified as benign based on ACMG/AMP sequence variant interpretation guidelines (Richards et al. 2015 PMID: 25741868, with internal and published modifications).

NM_001393586.1(MYO7B):c.5508T>C (p.Ser1836=)

Genes: MYO7B (myosin VIIB; plus strand), LOC129934729 (ATAC-STARR-seq lymphoblastoid active region 16498; plus strand). Cytogenetic location: 2q14.3.
Variant type: single nucleotide variant.
Coding change: c.5508T>C on transcript NM_001393586.1 (MANE Select); coding-DNA position 5508, T replaced by C.
Protein change: p.Ser1836=; no amino-acid change (serine 1836 retained).
Molecular consequence: synonymous variant.
Genome position (GRCh38, 1-based): chr2:127,633,360, T>C. VCF-style: chr2-127633360-T-C. GRCh37 (hg19) VCF-style: chr2-128390935-T-C.
Other names: c.5430T>C, p.Ser1810= (NM_001080527.2); c.1989T>C, p.Ser663= (NM_001393594.1); c.5430T>C (NM_001080527.1).
Identifiers: ClinVar variation 2651338 (VCV002651338.25), dbSNP rs146807651, ClinGen allele CA1862296.
Genomic context (GRCh38, chr2:127,633,360, plus strand): 5'-GGCCGCAGAGCAGAACGTCTCCCGCATCTGCCACAAGATCTACTTCCCCAATGACACCAG[T>C]GAGGTGAGGCCCTGCTCTGGTCTGCACGGCAAGTCTCAGGCCTCCAGAGGCCATGGGGCA-3'
Protein context (NP_001380515.1, residues 1826-1846): CHKIYFPNDT[Ser1836=]EMLEVVANTR